The following is an entry in ClinVar:

NM_000038.6(APC):c.5618A>C (p.Asp1873Ala)

Gene: APC (APC regulator of Wnt signaling pathway; plus strand). Cytogenetic location: 5q22.2.
Variant type: single nucleotide variant.
Coding change: c.5618A>C on transcript NM_000038.6 (MANE Select); coding-DNA position 5618, A replaced by C.
Protein change: p.Asp1873Ala; replaces aspartic acid 1873 with alanine.
Molecular consequence: missense variant. On other transcripts: non-coding transcript variant (2).
Genome position (GRCh38, 1-based): chr5:112,841,212, A>C. VCF-style: chr5-112841212-A-C. GRCh37 (hg19) VCF-style: chr5-112176909-A-C.
Other names: c.4769A>C, p.Asp1590Ala (NM_001354906.2, NM_001407470.1); c.5702A>C, p.Asp1901Ala (NM_001407446.1); c.5672A>C, p.Asp1891Ala (NM_001407447.1, NM_001407448.1, NM_001354896.2 and 1 more transcripts); c.5618A>C, p.Asp1873Ala (NM_001354895.2, NM_001127510.3, NM_001407450.1); c.5441A>C, p.Asp1814Ala (NM_001354901.2, NM_001407453.1); c.5345A>C, p.Asp1782Ala (NM_001354902.2); c.5315A>C, p.Asp1772Ala (NM_001354903.2, NM_001407458.1, NM_001407459.1 and 1 more transcripts); c.5240A>C, p.Asp1747Ala (NM_001354904.2); and 11 more; short protein forms D1744A, D1848A, D1901A, D1489A, D1782A, D1855A, D1866A, D1883A.
Identifiers: ClinVar variation 4740635 (VCV004740635.1).

ClinVar aggregate classification (germline): Uncertain significance (1 of 4 stars; one submission).

Conditions:
Familial adenomatous polyposis 1 (FAP1). Also called: POLYPOSIS, ADENOMATOUS INTESTINAL; FAMILIAL ADENOMATOUS POLYPOSIS 1, ATTENUATED. Identifiers: MedGen C2713442, MONDO:0021056, OMIM 175100. Disease mechanism: loss of function.

Submission:

Labcorp Genetics (formerly Invitae), Labcorp
Classification: Uncertain significance for Familial adenomatous polyposis 1. Last evaluated: 2025-09-10. Review status: criteria provided, single submitter. Criteria: Invitae Variant Classification Sherloc (09022015). Collection method: clinical testing. Allele origin: germline.
Comment: This sequence change replaces aspartic acid, which is acidic and polar, with alanine, which is neutral and non-polar, at codon 1873 of the APC protein (p.Asp1873Ala). This variant is not present in population databases (gnomAD no frequency). This variant has not been reported in the literature in individuals affected with APC-related conditions. Invitae Evidence Modeling of protein sequence and biophysical properties (such as structural, functional, and spatial information, amino acid conservation, physicochemical variation, residue mobility, and thermodynamic stability) indicates that this missense variant is not expected to disrupt APC protein function with a negative predictive value of 95%. In summary, the available evidence is currently insufficient to determine the role of this variant in disease. Therefore, it has been classified as a Variant of Uncertain Significance.